The following is an entry in ClinVar:

ClinVar aggregate classification (germline): Pathogenic (1 of 4 stars; one submission).

Conditions:
Fanconi anemia (FA). Also called: Fanconi's anemia. Identifiers: Orphanet 84, MedGen C0015625, MeSH D005199, MONDO:0019391.

Allele frequency attached by ClinVar (database versions not stated): gnomAD exomes below 0.00001; ExAC 0.00001.

Submission:

Labcorp Genetics (formerly Invitae), Labcorp
Classification: Pathogenic for Fanconi anemia. Last evaluated: 2022-03-01. Review status: criteria provided, single submitter. Criteria: Invitae Variant Classification Sherloc (09022015). Collection method: clinical testing. Allele origin: germline.
Comment: This sequence change creates a premature translational stop signal (p.Gln1046*) in the FANCM gene. It is expected to result in an absent or disrupted protein product. Loss-of-function variants in FANCM are known to be pathogenic (PMID: 29895858, 30075111). For these reasons, this variant has been classified as Pathogenic. This variant has not been reported in the literature in individuals affected with FANCM-related conditions. This variant is present in population databases (rs755309416, gnomAD 0.0009%).

Literature cited by the submitters: PubMed 29895858; PubMed 30075111.

NM_020937.4(FANCM):c.3136C>T (p.Gln1046Ter)

Gene: FANCM (FA complementation group M; plus strand). Cytogenetic location: 14q21.2.
Variant type: single nucleotide variant.
Coding change: c.3136C>T on transcript NM_020937.4 (MANE Select); coding-DNA position 3136, C replaced by T.
Protein change: p.Gln1046Ter; replaces glutamine 1046 with a stop codon.
Molecular consequence: nonsense.
Genome position (GRCh38, 1-based): chr14:45,175,890, C>T. VCF-style: chr14-45175890-C-T. GRCh37 (hg19) VCF-style: chr14-45645093-C-T.
Other names: c.3058C>T, p.Gln1020Ter (NM_001308133.2); short protein forms Q1046*, Q1020*.
Identifiers: ClinVar variation 2066276 (VCV002066276.4), dbSNP rs755309416, ClinGen allele CA7169472.